The following is an entry in ClinVar:

ClinVar aggregate classification (germline): Uncertain significance. Review status: criteria provided, multiple submitters, no conflicts (2 of 4 stars). 4 submissions from 4 submitters: Uncertain significance (4). Last evaluated 2025-10-13.

Conditions:
Hereditary cancer-predisposing syndrome. Also called: Neoplastic Syndromes, Hereditary; Hereditary Cancer Syndrome; Tumor predisposition; Hereditary neoplastic syndrome. Identifiers: Orphanet 140162, MedGen C0027672, MeSH D009386, MONDO:0015356.
VHL-related disorder. Also called: VHL-related condition.
Chuvash polycythemia. Also called: POLYCYTHEMIA, VHL-DEPENDENT. Identifiers: Orphanet 238557, MedGen C1837915, MONDO:0009892, OMIM 263400.
Von Hippel-Lindau syndrome (VHLS). Also called: Von Hippel-Lindau; von Hippel–Lindau syndrome; VHL syndrome. Identifiers: Orphanet 892, MedGen C0019562, MONDO:0008667, OMIM 193300. Disease mechanism: loss of function.

Allele frequency attached by ClinVar (database versions not stated): gnomAD 0.00001; TOPMed 0.00002.
gnomAD v4.1: 1 of 152,324 alleles (0.00066%); highest among the groups gnomAD compares: Admixed American, 0.0065%; no homozygotes.

Submissions (4):

Labcorp Genetics (formerly Invitae), Labcorp
Classification: Uncertain significance for Von Hippel-Lindau syndrome; Chuvash polycythemia. Last evaluated: 2025-10-13. Review status: criteria provided, single submitter. Criteria: Invitae Variant Classification Sherloc (09022015). Collection method: clinical testing. Allele origin: germline.
Comment: This sequence change falls in intron 1 of the VHL gene. It is not expected to change the encoded amino acid sequence of the VHL protein. However, this sequence change falls within a cryptic exon in the VHL gene, known as exon E1’, which is naturally expressed at low levels in several human tissues (PMID: 29891534). This variant is not present in population databases (gnomAD no frequency). This variant has been observed in individual(s) with erythrocytosis (PMID: 29891534, 37946251). ClinVar contains an entry for this variant (Variation ID: 846679). Studies have shown that this variant is associated with inconclusive levels of altered splicing (PMID: 29891534; internal data). In summary, the available evidence is currently insufficient to determine the role of this variant in disease. Therefore, it has been classified as a Variant of Uncertain Significance.

PreventionGenetics, part of Exact Sciences
Classification: Uncertain significance for VHL-related condition. Last evaluated: 2025-05-22. Review status: criteria provided, single submitter. Criteria: ACMG Guidelines, 2015. Collection method: clinical testing. Allele origin: germline.
Comment: The VHL c.581A>C variant is predicted to result in extension of the open reading frame (p.*194Serext*24). This variant is also known as c.340+816A>C using the alternate transcript NM_000551.3. This variant occurs in a cryptic exon of the VHL gene referred to as exon E1' and has been observed in the homozygous state in individuals with erythrocytosis (Lenglet et al. 2018. PubMed ID: 29891534; Rodrigues et al. 2022. PubMed ID: 36051068). Functional studies showed that this variant is associated with inconclusive levels of altered splicing compared to wild type (Lenglet et al. 2018. PubMed ID: 29891534). This variant has not been reported in a large population database (gnomAD), indicating this variant is rare. This variant is interpreted as uncertain in ClinVar. At this time, the clinical significance of this variant is uncertain due to the absence of conclusive functional and genetic evidence.

Ambry Genetics
Classification: Uncertain significance for Hereditary cancer-predisposing syndrome. Last evaluated: 2025-02-26. Review status: criteria provided, single submitter. Criteria: Ambry Variant Classification Scheme 2023. Collection method: clinical testing. Allele origin: germline.
Comment: The c.340+816A>C intronic variant results from an A to C substitution 816 nucleotides after coding exon 1 in the VHL gene. This variant has been identified in the homozygous state in individual(s) with features consistent with VHL-related polycythemia (Lenglet M et al. Blood, 2018 Aug;132:469-483, Rodrigues CD et al. EJHaem, 2022 Aug;3:989-991). This nucleotide position is well conserved in available vertebrate species. In silico splice site analysis predicts that this alteration may result in the creation or strengthening of a novel splice donor site; however, direct evidence is insufficient at this time (Ambry internal data). Based on the available evidence, the clinical significance of this variant remains unclear.

Oxford Medical Genetics Laboratories, Oxford University Hospitals NHS Foundation Trust
Classification: Uncertain significance for Chuvash polycythemia. Last evaluated: 2023-03-23. Review status: criteria provided, single submitter. Criteria: ACMG Guidelines, 2015. Collection method: clinical testing. Allele origin: biparental. Affected: yes. Observed: 1 homozygote.

Literature cited by the submitters: PubMed 29891534 (cited by 3 submitters); PubMed 37946251 (cited by Labcorp Genetics (formerly Invitae), Labcorp); PubMed 36051068 (cited by Ambry Genetics).

NM_000551.4(VHL):c.340+816A>C

Genes: VHL (von Hippel-Lindau tumor suppressor; plus strand), LOC107303340 (3p25 von Hippel-Lindau tumor suppressor, E3 ubiquitin protein ligase Alu-mediated recombination region; plus strand). Cytogenetic location: 3p25.3.
Variant type: single nucleotide variant.
Coding change: c.340+816A>C on transcript NM_000551.4 (MANE Select); 816 bases into the intron after coding-DNA position 340, A replaced by C.
Molecular consequence: intron variant. On other transcripts: stop lost (1).
Genome position (GRCh38, 1-based): chr3:10,143,003, A>C. VCF-style: chr3-10143003-A-C. GRCh37 (hg19) VCF-style: chr3-10184687-A-C.
Other names: *194S; c.581A>C, p.Ter194Ser (NM_001354723.2); c.340+816A>C (NM_198156.3); c.581A>C (NM_001354723.1).
Identifiers: ClinVar variation 846679 (VCV000846679.31), dbSNP rs1031288121, ClinGen allele CA70046825.